The following is an entry in ClinVar:

NM_031407.7(HUWE1):c.1097G>A (p.Cys366Tyr)

Gene: HUWE1 (HECT, UBA and WWE domain containing E3 ubiquitin protein ligase 1; minus strand). Cytogenetic location: Xp11.22.
Variant type: single nucleotide variant.
Coding change: c.1097G>A on transcript NM_031407.7 (MANE Select); coding-DNA position 1097, G replaced by A.
Protein change: p.Cys366Tyr; replaces cysteine 366 with tyrosine.
Molecular consequence: missense variant.
Genome position (GRCh38, 1-based): chrX:53,628,769, C>T on the plus strand (G>A on the coding strand, the complement: HUWE1 is on the minus strand). VCF-style: chrX-53628769-C-T. GRCh37 (hg19) VCF-style: chrX-53655720-C-T.
Other names: c.1097G>A, p.Cys366Tyr (NM_001441048.1, NM_001441049.1, NM_001441051.1 and 6 more transcripts); c.1118G>A, p.Cys373Tyr (NM_001441050.1, NM_001441055.1); short protein forms C366Y, C373Y.
Identifiers: ClinVar variation 4795580 (VCV004795580.1).
Genomic context (GRCh38, chrX:53,628,769, plus strand): 5'-CAAATGTTTCTTCTTGCCTAAGATAATCACCATCAAAACTTACCAATCATGGCCTGGATA[C>T]AGTTCCTTACAAGCACTGGCAAAAATCCATGGTAGGAGGCAGTTCCAGTACAGTCAATAA-3'
Protein context (NP_113584.3, residues 356-376): HGFLPVLVRN[Cys366Tyr]IQAMIDPSMD

ClinVar aggregate classification (germline): Uncertain significance (1 of 4 stars; one submission).

Submission:

GeneDx
Classification: Uncertain significance. Last evaluated: 2025-08-14. Review status: criteria provided, single submitter. Criteria: GeneDx Variant Classification Process June 2021. Collection method: clinical testing. Allele origin: germline. Affected: yes.
Comment: Not observed at significant frequency in large population cohorts (gnomAD); In silico analysis supports that this missense variant has a deleterious effect on protein structure/function; Has not been previously published as pathogenic or benign to our knowledge